The following is an entry in ClinVar:

NM_001385875.1(ZFYVE27):c.*1379G>A

Gene: ZFYVE27 (zinc finger FYVE-type containing 27; plus strand). Cytogenetic location: 10q24.2.
Variant type: single nucleotide variant.
Coding change: c.*1379G>A on transcript NM_001385875.1 (MANE Select); 1379 bases downstream of the stop codon, G replaced by A.
Molecular consequence: 3 prime UTR variant. On other transcripts: non-coding transcript variant (17).
Genome position (GRCh38, 1-based): chr10:97,760,679, G>A. VCF-style: chr10-97760679-G-A. GRCh37 (hg19) VCF-style: chr10-99520436-G-A.
Other names: c.*1379G>A (NM_001002261.4, NM_001002262.4, NM_001174119.2 and 39 more transcripts).
Identifiers: ClinVar variation 301863 (VCV000301863.6), dbSNP rs13389, ClinGen allele CA10633025.

ClinVar aggregate classification (germline): Benign. Review status: criteria provided, multiple submitters, no conflicts (2 of 4 stars). 2 submissions from 2 submitters: Benign (2). Last evaluated 2018-01-13.

Conditions:
Hereditary spastic paraplegia 33. Also called: SPASTIC PARAPLEGIA 33, AUTOSOMAL DOMINANT. Identifiers: MedGen C1853251, MONDO:0012448, OMIM 610244.

Allele frequency attached by ClinVar (database versions not stated): gnomAD 0.06663 and 0.07015; TOPMed 0.07476; 1000 Genomes Project 0.08466; 1000 Genomes Project 30x 0.08994.

Submissions (2):

Illumina Laboratory Services, Illumina
Classification: Benign for Hereditary spastic paraplegia 33. Last evaluated: 2018-01-13. Review status: criteria provided, single submitter. Criteria: ICSL Variant Classification Criteria 13 December 2019. Collection method: clinical testing. Allele origin: germline.
Comment: This variant was observed in the ICSL laboratory as part of a predisposition screen in an ostensibly healthy population. It had not been previously curated by ICSL or reported in the Human Gene Mutation Database (HGMD: prior to June 1st, 2018), and was therefore a candidate for classification through an automated scoring system. Utilizing variant allele frequency, disease prevalence and penetrance estimates, and inheritance mode, an automated score was calculated to assess if this variant is too frequent to cause the disease. Based on the score and internal cut-off values, a variant classified as benign is not then subjected to further curation. The score for this variant resulted in a classification of benign for this disease.

Breakthrough Genomics
Classification: Benign. Review status: criteria provided, single submitter. Criteria: ACMG Guidelines, 2015. Collection method: not provided. Allele origin: germline. Inheritance: Autosomal dominant inheritance. Affected: yes.